The following is an entry in ClinVar:

ClinVar aggregate classification (germline): Uncertain significance. Review status: criteria provided, multiple submitters, no conflicts (2 of 4 stars). 3 submissions from 3 submitters: Uncertain significance (3). Last evaluated 2025-12-31.

Conditions:
Familial thoracic aortic aneurysm and aortic dissection (TAAD). Also called: Thoracic aortic aneurysms and dissections. Identifiers: Orphanet 91387, MedGen C4707243, MONDO:0019625.
Aortic aneurysm, familial thoracic 7 (AAT7). Also called: AORTIC DISSECTION, FAMILIAL, WITH OR WITHOUT AORTIC ANEURYSM. Identifiers: MedGen C3151077, MONDO:0013418, OMIM 613780.

Allele frequency attached by ClinVar (database versions not stated): TOPMed 0.00001; gnomAD 0.00003.
gnomAD v4.1: 42 of 1,614,092 alleles (0.0026%); highest among the groups gnomAD compares: Admixed American, 0.0067%; no homozygotes.

Submissions (3):

Labcorp Genetics (formerly Invitae), Labcorp
Classification: Uncertain significance for Aortic aneurysm, familial thoracic 7. Last evaluated: 2025-12-31. Review status: criteria provided, single submitter. Criteria: Invitae Variant Classification Sherloc (09022015). Collection method: clinical testing. Allele origin: germline.
Comment: This sequence change replaces leucine, which is neutral and non-polar, with valine, which is neutral and non-polar, at codon 901 of the MYLK protein (p.Leu901Val). This variant is present in population databases (rs765778763, gnomAD 0.01%). This variant has not been reported in the literature in individuals affected with MYLK-related conditions. ClinVar contains an entry for this variant (Variation ID: 471714). Invitae Evidence Modeling of protein sequence and biophysical properties (such as structural, functional, and spatial information, amino acid conservation, physicochemical variation, residue mobility, and thermodynamic stability) has been performed for this missense variant. However, the output from this modeling did not meet the statistical confidence thresholds required to predict the impact of this variant on MYLK protein function. In summary, the available evidence is currently insufficient to determine the role of this variant in disease. Therefore, it has been classified as a Variant of Uncertain Significance.

Ambry Genetics
Classification: Uncertain significance for Familial thoracic aortic aneurysm and aortic dissection. Last evaluated: 2021-08-12. Review status: criteria provided, single submitter. Criteria: Ambry Variant Classification Scheme 2023. Collection method: clinical testing. Allele origin: germline.
Comment: The p.L901V variant (also known as c.2701C>G), located in coding exon 15 of the MYLK gene, results from a C to G substitution at nucleotide position 2701. The leucine at codon 901 is replaced by valine, an amino acid with highly similar properties. This amino acid position is conserved. In addition, this alteration is predicted to be tolerated by in silico analysis. Since supporting evidence is limited at this time, the clinical significance of this alteration remains unclear.

GeneDx
Classification: Uncertain significance. Last evaluated: 2020-12-07. Review status: criteria provided, single submitter. Criteria: GeneDx Variant Classification Process June 2021. Collection method: clinical testing. Allele origin: germline. Affected: yes.
Comment: Has not been previously published as pathogenic or benign to our knowledge; In silico analysis supports that this missense variant does not alter protein structure/function; Reported in ClinVar as a variant of uncertain significance (ClinVar Variant ID# 471714; Landrum et al., 2016)

NM_053025.4(MYLK):c.2701C>G (p.Leu901Val)

Gene: MYLK (myosin light chain kinase; minus strand). Cytogenetic location: 3q21.1.
Variant type: single nucleotide variant.
Coding change: c.2701C>G on transcript NM_053025.4 (MANE Select); coding-DNA position 2701, C replaced by G.
Protein change: p.Leu901Val; replaces leucine 901 with valine.
Molecular consequence: missense variant.
Genome position (GRCh38, 1-based): chr3:123,700,767, G>C on the plus strand (C>G on the coding strand, the complement: MYLK is on the minus strand). VCF-style: chr3-123700767-G-C. GRCh37 (hg19) VCF-style: chr3-123419614-G-C.
Other names: c.2173C>G, p.Leu725Val (NM_001321309.2); c.2494C>G, p.Leu832Val (NM_053026.4, NM_053028.4); c.2701C>G, p.Leu901Val (NM_053027.4); short protein forms L901V, L725V, L832V.
Identifiers: ClinVar variation 471714 (VCV000471714.13), dbSNP rs765778763, ClinGen allele CA068897.
Genomic context (GRCh38, chr3:123,700,767, plus strand): 5'-CGGCTGGGATCTCCTTCAGGTCGTCTTCCGATAGGGTCTTTGTACTCACCTTCTTCCCCA[G>C]GAGGTCTCGGAAGTCCAGCTGCTCCACCTCCTGCTGGCGGATCGCCTCCTCAGTGTGCTG-3'
Protein context (NP_444253.3, residues 891-911): EVEQLDFRDL[Leu901Val]GKKVSTKTLS